The following is an entry in ClinVar:

ClinVar aggregate classification (germline): Likely benign (1 of 4 stars; one submission).

Conditions:
Peutz-Jeghers syndrome (PJS). Also called: POLYPOSIS, HAMARTOMATOUS INTESTINAL; POLYPS-AND-SPOTS SYNDROME; Peutz-Jeghers polyposis; Periorificial lentiginosis syndrome. Identifiers: Orphanet 2869, MedGen C0031269, MeSH D010580, MONDO:0008280, OMIM 175200.

gnomAD v4.1: 1 of 1,596,296 alleles (0.000063%); highest among the groups gnomAD compares: South Asian, 0.0011%; no homozygotes.

Submission:

Myriad Genetics, Inc.
Classification: Likely benign for Peutz-Jeghers syndrome. Last evaluated: 2025-03-26. Review status: criteria provided, single submitter. Criteria: Myriad Autosomal Dominant, Autosomal Recessive and X-Linked Classification Criteria (2023). Collection method: clinical testing. Allele origin: unknown.
Comment: This variant is considered likely benign. This variant is intronic and is not expected to impact mRNA splicing.

NM_000455.5(STK11):c.465-8G>C

Gene: STK11 (serine/threonine kinase 11; plus strand). Cytogenetic location: 19p13.3.
Variant type: single nucleotide variant.
Coding change: c.465-8G>C on transcript NM_000455.5 (MANE Select); 8 bases into the intron before coding-DNA position 465, G replaced by C.
Molecular consequence: intron variant.
Genome position (GRCh38, 1-based): chr19:1,220,365, G>C. VCF-style: chr19-1220365-G-C. GRCh37 (hg19) VCF-style: chr19-1220364-G-C.
Other names: c.465-8G>C (NM_001407255.1).
Identifiers: ClinVar variation 3904656 (VCV003904656.1).